The following is an entry in ClinVar:

NM_139343.3(BIN1):c.315+5_315+6delinsAG

Gene: BIN1 (bridging integrator 1; minus strand). Cytogenetic location: 2q14.3.
Variant type: Indel.
Coding change: c.315+5_315+6delinsAG on transcript NM_139343.3 (MANE Select); bases 5 to 6 of the intron after coding-DNA position 315, GC replaced by AG.
Molecular consequence: intron variant.
Genome position (GRCh38, 1-based): chr2:127,070,547-127,070,548, GC replaced by CT on the plus strand (GC replaced by AG on the coding strand, the reverse complement: BIN1 is on the minus strand). VCF-style: chr2-127070547-GC-CT. GRCh37 (hg19) VCF-style: chr2-127828123-GC-CT.
Other names: c.234+5_234+6delinsAG (NM_001320642.1); c.243+5_243+6delinsAG (NM_001320634.1); c.315+5_315+6delinsAG (NM_139351.3, NM_139350.3, NM_139349.3 and 10 more transcripts).
Identifiers: ClinVar variation 422935 (VCV000422935.1), dbSNP rs1064796106, ClinGen allele CA16617229.

ClinVar aggregate classification (germline): Uncertain significance (1 of 4 stars; one submission).

Submission:

GeneDx
Classification: Uncertain significance. Last evaluated: 2017-11-06. Review status: criteria provided, single submitter. Criteria: GeneDx Variant Classification (06012015). Collection method: clinical testing. Allele origin: germline. Affected: yes.
Comment: The c.315+5_315+6delGCinsAG variant has not been published as a pathogenic variant, nor has it been reported as a benign variant to our knowledge. The c.315+5_315+6delGCinsAG variant is not observed in large population cohorts (Lek et al., 2016; 1000 Genomes Consortium et al., 2015; Exome Variant Server). Several in-silico splice prediction models predict that c.315+5_315+6delGCinsAG may damage or destroy the natural splice donor site for intron 4 and lead to abnormal gene splicing. However, in the absence of RNA/functional studies, the actual effect of this sequence change is unknown. Therefore, based on the currently available information, it is unclear whether this variant is a pathogenic variant or a rare benign variant.